The following is an entry in ClinVar:

ClinVar aggregate classification (germline): Uncertain significance. Review status: criteria provided, multiple submitters, no conflicts (2 of 4 stars). 2 submissions from 2 submitters: Uncertain significance (2). Last evaluated 2023-11-28.

Allele frequency attached by ClinVar (database versions not stated): gnomAD 0.00010; 1000 Genomes Project 30x 0.00016; 1000 Genomes Project 0.00020; ExAC 0.00011; TOPMed 0.00006; ESP Exome Variant Server 0.00008; gnomAD exomes 0.00013.

Submissions (2):

Ambry Genetics
Classification: Uncertain significance. Last evaluated: 2023-11-28. Review status: criteria provided, single submitter. Criteria: Ambry Variant Classification Scheme 2023. Collection method: clinical testing. Allele origin: germline.

Labcorp Genetics (formerly Invitae), Labcorp
Classification: Uncertain significance. Last evaluated: 2023-08-16. Review status: criteria provided, single submitter. Criteria: Invitae Variant Classification Sherloc (09022015). Collection method: clinical testing. Allele origin: germline.
Comment: This sequence change replaces lysine, which is basic and polar, with threonine, which is neutral and polar, at codon 28 of the MCM5 protein (p.Lys28Thr). This variant is present in population databases (rs200623346, gnomAD 0.1%), and has an allele count higher than expected for a pathogenic variant. This variant has not been reported in the literature in individuals affected with MCM5-related conditions. ClinVar contains an entry for this variant (Variation ID: 2059300). An algorithm developed to predict the effect of missense changes on protein structure and function (PolyPhen-2) suggests that this variant is likely to be tolerated. In summary, the available evidence is currently insufficient to determine the role of this variant in disease. Therefore, it has been classified as a Variant of Uncertain Significance.

NM_006739.4(MCM5):c.83A>C (p.Lys28Thr)

Gene: MCM5 (minichromosome maintenance complex component 5; plus strand). Cytogenetic location: 22q12.3.
Variant type: single nucleotide variant.
Coding change: c.83A>C on transcript NM_006739.4 (MANE Select); coding-DNA position 83, A replaced by C.
Protein change: p.Lys28Thr; replaces lysine 28 with threonine.
Molecular consequence: missense variant.
Genome position (GRCh38, 1-based): chr22:35,400,521, A>C. VCF-style: chr22-35400521-A-C. GRCh37 (hg19) VCF-style: chr22-35796514-A-C.
Other names: c.83A>C (NM_006739.3); short protein forms K28T.
Identifiers: ClinVar variation 2059300 (VCV002059300.5), dbSNP rs200623346, ClinGen allele CA10204901.
Genomic context (GRCh38, chr22:35,400,521, plus strand): 5'-GCATTTTCTACAGCGACAGCTTCGGGGGCGACGCCCAGGCCGACGAGGGGCAGGCCCGCA[A>C]ATCGCAGCTGCAGAGGCGCTTCAAGGAGTTCCTGCGGCAGTACCGAGTGGGCACCGACCG-3'
Protein context (NP_006730.2, residues 18-38): DAQADEGQAR[Lys28Thr]SQLQRRFKEF